The following is an entry in ClinVar:

ClinVar aggregate classification (germline): Uncertain significance. Review status: criteria provided, single submitter (1 of 4 stars). 2 submissions from 2 submitters: Uncertain significance (1). 1 of the submissions does not count toward it. Last evaluated 2024-07-06.

Conditions:
Developmental and epileptic encephalopathy, 69. Also called: EPILEPTIC ENCEPHALOPATHY, EARLY INFANTILE, 69. Identifiers: MedGen C4748988, MONDO:0032657, OMIM 618285.

Allele frequency attached by ClinVar (database versions not stated): TOPMed below 0.00001.
gnomAD v4.1: 1 of 1,610,262 alleles (0.000062%); highest among the groups gnomAD compares: Non-Finnish European, 0.000085%; no homozygotes.

Submissions (2):

Labcorp Genetics (formerly Invitae), Labcorp
Classification: Uncertain significance. Last evaluated: 2024-07-06. Review status: criteria provided, single submitter. Criteria: Invitae Variant Classification Sherloc (09022015). Collection method: clinical testing. Allele origin: germline.
Comment: This sequence change replaces glutamic acid, which is acidic and polar, with lysine, which is basic and polar, at codon 2210 of the CACNA1E protein (p.Glu2210Lys). This variant is not present in population databases (gnomAD no frequency). This variant has not been reported in the literature in individuals affected with CACNA1E-related conditions. ClinVar contains an entry for this variant (Variation ID: 2627777). Advanced modeling of protein sequence and biophysical properties (such as structural, functional, and spatial information, amino acid conservation, physicochemical variation, residue mobility, and thermodynamic stability) has been performed at Invitae for this missense variant, however the output from this modeling did not meet the statistical confidence thresholds required to predict the impact of this variant on CACNA1E protein function. In summary, the available evidence is currently insufficient to determine the role of this variant in disease. Therefore, it has been classified as a Variant of Uncertain Significance.

Zotz-Klimas Genetics Lab, MVZ Zotz Klimas
Classification: Uncertain significance for Developmental and epileptic encephalopathy, 69. Last evaluated: 2023-11-02. Review status: no assertion criteria provided. Collection method: clinical testing. Allele origin: germline. Affected: yes. Not counted in ClinVar's aggregate classification.

NM_001205293.3(CACNA1E):c.6757G>A (p.Glu2253Lys)

Gene: CACNA1E (calcium voltage-gated channel subunit alpha1 E; plus strand). Cytogenetic location: 1q25.3.
Variant type: single nucleotide variant.
Coding change: c.6757G>A on transcript NM_001205293.3 (MANE Select); coding-DNA position 6757, G replaced by A.
Protein change: p.Glu2253Lys; replaces glutamic acid 2253 with lysine.
Molecular consequence: missense variant.
Genome position (GRCh38, 1-based): chr1:181,798,649, G>A. VCF-style: chr1-181798649-G-A. GRCh37 (hg19) VCF-style: chr1-181767785-G-A.
Other names: c.6628G>A, p.Glu2210Lys (NM_000721.4); c.6571G>A, p.Glu2191Lys (NM_001205294.2); short protein forms E2191K, E2210K, E2253K.
Identifiers: ClinVar variation 2627777 (VCV002627777.3), dbSNP rs1490222366, ClinGen allele CA343845458.